The following is an entry in ClinVar:

NM_001854.4(COL11A1):c.3601-2A>T

Gene: COL11A1 (collagen type XI alpha 1 chain; minus strand). Cytogenetic location: 1p21.1.
Variant type: single nucleotide variant.
Coding change: c.3601-2A>T on transcript NM_001854.4 (MANE Select); the canonical splice acceptor site of the intron before coding-DNA position 3601, A replaced by T.
Molecular consequence: splice acceptor variant.
Genome position (GRCh38, 1-based): chr1:102,923,391, T>A on the plus strand (A>T on the coding strand, the complement: COL11A1 is on the minus strand). VCF-style: chr1-102923391-T-A. GRCh37 (hg19) VCF-style: chr1-103388947-T-A.
Other names: c.3484-2A>T (NM_001190709.2); c.3637-2A>T (NM_080629.3); c.3253-2A>T (NM_080630.4).
Identifiers: ClinVar variation 2758663 (VCV002758663.3), dbSNP rs2524570658, ClinGen allele CA341164725.

ClinVar aggregate classification (germline): Likely pathogenic (1 of 4 stars; one submission).

Submission:

Labcorp Genetics (formerly Invitae), Labcorp
Classification: Likely pathogenic. Last evaluated: 2023-11-27. Review status: criteria provided, single submitter. Criteria: Invitae Variant Classification Sherloc (09022015). Collection method: clinical testing. Allele origin: germline.
Comment: This sequence change affects an acceptor splice site in intron 46 of the COL11A1 gene. It is expected to disrupt RNA splicing. Variants that disrupt the donor or acceptor splice site typically lead to a loss of protein function (PMID: 16199547), and loss-of-function variants in COL11A1 are known to be pathogenic (PMID: 20513134, 21035103, 23922384, 25240749, 32427345, 32756486). This variant is not present in population databases (gnomAD no frequency). This variant has not been reported in the literature in individuals affected with COL11A1-related conditions. Algorithms developed to predict the effect of sequence changes on RNA splicing suggest that this variant may disrupt the consensus splice site. In summary, the currently available evidence indicates that the variant is pathogenic, but additional data are needed to prove that conclusively. Therefore, this variant has been classified as Likely Pathogenic.

Literature cited by the submitters: PubMed 16199547; PubMed 20513134; PubMed 21035103; PubMed 23922384; PubMed 25240749; PubMed 32427345; PubMed 32756486.